The following is an entry in ClinVar:

ClinVar aggregate classification (germline): Uncertain significance (1 of 4 stars; one submission).

Submission:

Labcorp Genetics (formerly Invitae), Labcorp
Classification: Uncertain significance. Last evaluated: 2019-04-23. Review status: criteria provided, single submitter. Criteria: Invitae Variant Classification Sherloc (09022015). Collection method: clinical testing. Allele origin: germline.
Comment: In summary, the available evidence is currently insufficient to determine the role of this variant in disease. Therefore, it has been classified as a Variant of Uncertain Significance. Algorithms developed to predict the effect of missense changes on protein structure and function are either unavailable or do not agree on the potential impact of this missense change (SIFT: "Deleterious"; PolyPhen-2: "Probably Damaging"; Align-GVGD: "Class C15"). This variant has not been reported in the literature in individuals with PHEX-related conditions. This variant is not present in population databases (ExAC no frequency). This sequence change replaces arginine with proline at codon 443 of the PHEX protein (p.Arg443Pro). The arginine residue is highly conserved and there is a moderate physicochemical difference between arginine and proline.

NM_000444.6(PHEX):c.1328G>C (p.Arg443Pro)

Gene: PHEX (phosphate regulating endopeptidase X-linked; plus strand). Cytogenetic location: Xp22.11.
Variant type: single nucleotide variant.
Coding change: c.1328G>C on transcript NM_000444.6 (MANE Select); coding-DNA position 1328, G replaced by C.
Protein change: p.Arg443Pro; replaces arginine 443 with proline.
Molecular consequence: missense variant.
Genome position (GRCh38, 1-based): chrX:22,133,548, G>C. VCF-style: chrX-22133548-G-C. GRCh37 (hg19) VCF-style: chrX-22151665-G-C.
Other names: c.1328G>C, p.Arg443Pro (NM_001282754.2); short protein forms R443P.
Identifiers: ClinVar variation 845695 (VCV000845695.9), dbSNP rs1285918997, ClinGen allele CA412574583.